The following is an entry in ClinVar:

NM_003632.3(CNTNAP1):c.3475-4T>A

Gene: CNTNAP1 (contactin associated protein 1; plus strand). Cytogenetic location: 17q21.2.
Variant type: single nucleotide variant.
Coding change: c.3475-4T>A on transcript NM_003632.3 (MANE Select); 4 bases into the intron before coding-DNA position 3475, T replaced by A.
Molecular consequence: intron variant.
Genome position (GRCh38, 1-based): chr17:42,697,270, T>A. VCF-style: chr17-42697270-T-A. GRCh37 (hg19) VCF-style: chr17-40849288-T-A.
Identifiers: ClinVar variation 746090 (VCV000746090.10), dbSNP rs769894666, ClinGen allele CA915950019.

ClinVar aggregate classification (germline): Likely benign. Review status: criteria provided, multiple submitters, no conflicts (2 of 4 stars). 3 submissions from 3 submitters: Likely benign (2). 1 of the submissions does not count toward it. Last evaluated 2026-01-15.

Conditions:
CNTNAP1-related disorder. Also called: CNTNAP1-related condition; CNTNAP1-related disease.

Submissions (3):

Labcorp Genetics (formerly Invitae), Labcorp
Classification: Likely benign. Last evaluated: 2026-01-15. Review status: criteria provided, single submitter. Criteria: Invitae Variant Classification Sherloc (09022015). Collection method: clinical testing. Allele origin: germline.

Breakthrough Genomics
Classification: Likely benign. Review status: criteria provided, single submitter. Criteria: ACMG Guidelines, 2015. Collection method: not provided. Allele origin: germline. Inheritance: Autosomal recessive inheritance. Affected: yes.

PreventionGenetics, part of Exact Sciences
Classification: Likely benign for CNTNAP1-related condition. Last evaluated: 2020-02-18. Review status: no assertion criteria provided. Collection method: clinical testing. Allele origin: germline. Not counted in ClinVar's aggregate classification.
Comment: This variant is classified as likely benign based on ACMG/AMP sequence variant interpretation guidelines (Richards et al. 2015 PMID: 25741868, with internal and published modifications).